The following is an entry in ClinVar:

NM_014915.3(ANKRD26):c.2863G>T (p.Asp955Tyr)

Gene: ANKRD26 (ankyrin repeat domain 26; minus strand). Cytogenetic location: 10p12.1.
Variant type: single nucleotide variant.
Coding change: c.2863G>T on transcript NM_014915.3 (MANE Select); coding-DNA position 2863, G replaced by T.
Protein change: p.Asp955Tyr; replaces aspartic acid 955 with tyrosine.
Molecular consequence: missense variant.
Genome position (GRCh38, 1-based): chr10:27,035,587, C>A on the plus strand (G>T on the coding strand, the complement: ANKRD26 is on the minus strand). VCF-style: chr10-27035587-C-A. GRCh37 (hg19) VCF-style: chr10-27324516-C-A.
Other names: c.2860G>T, p.Asp954Tyr (NM_001256053.2); short protein forms D955Y, D954Y.
Identifiers: ClinVar variation 4580203 (VCV004580203.1).

ClinVar aggregate classification (germline): Uncertain significance (1 of 4 stars; one submission).

Conditions:
Inborn genetic diseases. Identifiers: MedGen C0950123, MeSH D030342.

Submission:

Ambry Genetics
Classification: Uncertain significance for Inborn genetic diseases. Last evaluated: 2025-11-27. Review status: criteria provided, single submitter. Criteria: Ambry Variant Classification Scheme 2023. Collection method: clinical testing. Allele origin: germline.
Comment: The p.D955Y variant (also known as c.2863G>T), located in coding exon 24 of the ANKRD26 gene, results from a G to T substitution at nucleotide position 2863. The aspartic acid at codon 955 is replaced by tyrosine, an amino acid with highly dissimilar properties. This amino acid position is conserved. In addition, this alteration is predicted to be tolerated by in silico analysis. Based on the available evidence, the clinical significance of this variant remains unclear.